The following is an entry in ClinVar:

ClinVar aggregate classification (germline): Uncertain significance (1 of 4 stars; one submission).

Submission:

Labcorp Genetics (formerly Invitae), Labcorp
Classification: Uncertain significance. Last evaluated: 2023-01-21. Review status: criteria provided, single submitter. Criteria: Invitae Variant Classification Sherloc (09022015). Collection method: clinical testing. Allele origin: germline.
Comment: This sequence change replaces arginine, which is basic and polar, with cysteine, which is neutral and slightly polar, at codon 7 of the CLUAP1 protein (p.Arg7Cys). In summary, the available evidence is currently insufficient to determine the role of this variant in disease. Therefore, it has been classified as a Variant of Uncertain Significance. Advanced modeling of protein sequence and biophysical properties (such as structural, functional, and spatial information, amino acid conservation, physicochemical variation, residue mobility, and thermodynamic stability) performed at Invitae indicates that this missense variant is expected to disrupt CLUAP1 protein function. This variant has not been reported in the literature in individuals affected with CLUAP1-related conditions. This variant is not present in population databases (gnomAD no frequency).

NM_015041.3(CLUAP1):c.19C>T (p.Arg7Cys)

Genes: CLUAP1 (clusterin associated protein 1; plus strand), LOC130058340 (ATAC-STARR-seq lymphoblastoid active region 10324; plus strand). Cytogenetic location: 16p13.3.
Variant type: single nucleotide variant.
Coding change: c.19C>T on transcript NM_015041.3 (MANE Select); coding-DNA position 19, C replaced by T.
Protein change: p.Arg7Cys; replaces arginine 7 with cysteine.
Molecular consequence: missense variant.
Genome position (GRCh38, 1-based): chr16:3,501,086, C>T. VCF-style: chr16-3501086-C-T. GRCh37 (hg19) VCF-style: chr16-3551086-C-T.
Other names: c.19C>T, p.Arg7Cys (NM_001330454.2); short protein forms R7C.
Identifiers: ClinVar variation 2830863 (VCV002830863.3), dbSNP rs2543912726, ClinGen allele CA394510518.